The following is an entry in ClinVar:

NM_181741.4(ORC4):c.518T>C (p.Leu173Pro)

Gene: ORC4 (origin recognition complex subunit 4; minus strand). Cytogenetic location: 2q23.1.
Variant type: single nucleotide variant.
Coding change: c.518T>C on transcript NM_181741.4 (MANE Select); coding-DNA position 518, T replaced by C.
Protein change: p.Leu173Pro; replaces leucine 173 with proline.
Molecular consequence: missense variant.
Genome position (GRCh38, 1-based): chr2:147,952,443, A>G on the plus strand (T>C on the coding strand, the complement: ORC4 is on the minus strand). VCF-style: chr2-147952443-A-G. GRCh37 (hg19) VCF-style: chr2-148710012-A-G.
Other names: c.518T>C, p.Leu173Pro (NM_001190879.3, NM_001374270.1, NM_002552.5 and 1 more transcripts); c.266T>C, p.Leu89Pro (NM_001190881.3, NM_001374272.1); c.296T>C, p.Leu99Pro (NM_001190882.3); short protein forms L89P, L173P, L99P.
Identifiers: ClinVar variation 1372785 (VCV001372785.8), dbSNP rs2105298189, ClinGen allele CA348713856.
Genomic context (GRCh38, chr2:147,952,443, plus strand): 5'-GTAAGACCAATAACTGCTATTGGGGTCTGTGCAGACTGAGAAATGTCAAAAAGATTATAG[A>G]GAAGTGTTTGGTTTTTATGATGAGCAAAAAGATCAAATTCATCTAATATGAAGATCACTG-3'
Protein context (NP_859525.1, residues 163-183): LFAHHKNQTL[Leu173Pro]YNLFDISQSA

ClinVar aggregate classification (germline): Uncertain significance (1 of 4 stars; one submission).

Submission:

Labcorp Genetics (formerly Invitae), Labcorp
Classification: Uncertain significance. Last evaluated: 2021-06-03. Review status: criteria provided, single submitter. Criteria: Invitae Variant Classification Sherloc (09022015). Collection method: clinical testing. Allele origin: germline.
Comment: This sequence change replaces leucine with proline at codon 173 of the ORC4 protein (p.Leu173Pro). The leucine residue is highly conserved and there is a moderate physicochemical difference between leucine and proline. This variant is not present in population databases (ExAC no frequency). This variant has not been reported in the literature in individuals with ORC4-related conditions. Algorithms developed to predict the effect of missense changes on protein structure and function (SIFT, PolyPhen-2, Align-GVGD) all suggest that this variant is likely to be disruptive, but these predictions have not been confirmed by published functional studies and their clinical significance is uncertain. In summary, the available evidence is currently insufficient to determine the role of this variant in disease. Therefore, it has been classified as a Variant of Uncertain Significance.